The following is an entry in ClinVar:

ClinVar aggregate classification (germline): Likely benign. Review status: criteria provided, multiple submitters, no conflicts (2 of 4 stars). 2 submissions from 2 submitters: Likely benign (2). Last evaluated 2024-11-25.

Conditions:
Genitopatellar syndrome (GTPTS). Also called: Genitopatellar syndrome (GPS); ABSENT PATELLAE, SCROTAL HYPOPLASIA, RENAL ANOMALIES, FACIAL DYSMORPHISM, AND MENTAL RETARDATION. Identifiers: Orphanet 85201, MedGen C1853566, MONDO:0011640, OMIM 606170.

Allele frequency attached by ClinVar (database versions not stated): gnomAD exomes below 0.00001; TOPMed below 0.00001; ExAC 0.00002.
gnomAD v4.1: 4 of 1,583,510 alleles (0.00025%); highest among the groups gnomAD compares: East Asian, 0.0046%; no homozygotes.

Submissions (2):

Labcorp Genetics (formerly Invitae), Labcorp
Classification: Likely benign for Genitopatellar syndrome. Last evaluated: 2024-11-25. Review status: criteria provided, single submitter. Criteria: Invitae Variant Classification Sherloc (09022015). Collection method: clinical testing. Allele origin: germline.

CeGaT Center for Human Genetics Tuebingen
Classification: Likely benign. Last evaluated: 2023-09-01. Review status: criteria provided, single submitter. Criteria: CeGaT Center For Human Genetics Tuebingen Variant Classification Criteria Version 2. Collection method: clinical testing. Allele origin: germline. Affected: yes. Observed: 1 variant allele.
Comment: KAT6B: BP4, BP7

NM_012330.4(KAT6B):c.3237G>A (p.Glu1079=)

Gene: KAT6B (lysine acetyltransferase 6B; plus strand). Cytogenetic location: 10q22.2.
Variant type: single nucleotide variant.
Coding change: c.3237G>A on transcript NM_012330.4 (MANE Select); coding-DNA position 3237, G replaced by A.
Protein change: p.Glu1079=; no amino-acid change (glutamic acid 1079 retained).
Molecular consequence: synonymous variant.
Genome position (GRCh38, 1-based): chr10:75,022,096, G>A. VCF-style: chr10-75022096-G-A. GRCh37 (hg19) VCF-style: chr10-76781854-G-A.
Other names: c.2688G>A, p.Glu896= (NM_001256468.2, NM_001370138.1); c.2361G>A, p.Glu787= (NM_001256469.2, NM_001370139.1, NM_001370140.1 and 2 more transcripts); c.2199G>A, p.Glu733= (NM_001370132.1); c.1548G>A, p.Glu516= (NM_001370133.1); c.1152G>A, p.Glu384= (NM_001370134.1); c.894G>A, p.Glu298= (NM_001370135.1); c.3237G>A, p.Glu1079= (NM_001370136.1, NM_001370137.1); c.2172G>A, p.Glu724= (NM_001370143.1, NM_001370144.1).
Identifiers: ClinVar variation 2640603 (VCV002640603.27), dbSNP rs1301619049, ClinGen allele CA5564760.